The following is an entry in ClinVar:

NM_177438.3(DICER1):c.736T>C (p.Tyr246His)

Gene: DICER1 (dicer 1, ribonuclease III; minus strand). Cytogenetic location: 14q32.13.
Variant type: single nucleotide variant.
Coding change: c.736T>C on transcript NM_177438.3 (MANE Select); coding-DNA position 736, T replaced by C.
Protein change: p.Tyr246His; replaces tyrosine 246 with histidine.
Molecular consequence: missense variant.
Genome position (GRCh38, 1-based): chr14:95,126,747, A>G on the plus strand (T>C on the coding strand, the complement: DICER1 is on the minus strand). VCF-style: chr14-95126747-A-G. GRCh37 (hg19) VCF-style: chr14-95593084-A-G.
Other names: c.736T>C, p.Tyr246His (NM_001195573.1, NM_001271282.3, NM_001291628.2 and 1 more transcripts); short protein forms Y246H.
Identifiers: ClinVar variation 1038582 (VCV001038582.10), dbSNP rs1893498325, ClinGen allele CA390887941.

ClinVar aggregate classification (germline): Uncertain significance (1 of 4 stars; one submission).

Conditions:
DICER1-related tumor predisposition. Also called: DICER1 syndrome; DICER1-related pleuropulmonary blastoma cancer predisposition syndrome. Identifiers: Orphanet 284343, MedGen C3839822, MONDO:0100216.

Submission:

Labcorp Genetics (formerly Invitae), Labcorp
Classification: Uncertain significance for DICER1-related tumor predisposition. Last evaluated: 2020-06-18. Review status: criteria provided, single submitter. Criteria: Invitae Variant Classification Sherloc (09022015). Collection method: clinical testing. Allele origin: germline.
Comment: This sequence change replaces tyrosine with histidine at codon 246 of the DICER1 protein (p.Tyr246His). The tyrosine residue is highly conserved and there is a moderate physicochemical difference between tyrosine and histidine. This variant is not present in population databases (ExAC no frequency). This variant has not been reported in the literature in individuals with DICER1-related conditions. Algorithms developed to predict the effect of missense changes on protein structure and function are either unavailable or do not agree on the potential impact of this missense change (SIFT: "Deleterious"; PolyPhen-2: "Benign"; Align-GVGD: "Class C65"). In summary, the available evidence is currently insufficient to determine the role of this variant in disease. Therefore, it has been classified as a Variant of Uncertain Significance.